The following is an entry in ClinVar:

ClinVar aggregate classification (germline): Uncertain significance (1 of 4 stars; one submission).

Allele frequency attached by ClinVar (database versions not stated): gnomAD exomes below 0.00001; gnomAD 0.00001; ExAC 0.00002; TOPMed 0.00002; 1000 Genomes Project 30x 0.00016; 1000 Genomes Project 0.00020.
gnomAD v4.1: 7 of 1,613,712 alleles (0.00043%); highest among the groups gnomAD compares: East Asian, 0.0045%; no homozygotes.

Submission:

Labcorp Genetics (formerly Invitae), Labcorp
Classification: Uncertain significance. Last evaluated: 2022-08-16. Review status: criteria provided, single submitter. Criteria: Invitae Variant Classification Sherloc (09022015). Collection method: clinical testing. Allele origin: germline.
Comment: This sequence change replaces isoleucine, which is neutral and non-polar, with valine, which is neutral and non-polar, at codon 554 of the LRPPRC protein (p.Ile554Val). This variant is present in population databases (rs190262280, gnomAD 0.02%). This variant has not been reported in the literature in individuals affected with LRPPRC-related conditions. Algorithms developed to predict the effect of missense changes on protein structure and function output the following: SIFT: "Tolerated"; PolyPhen-2: "Benign"; Align-GVGD: "Class C0". The valine amino acid residue is found in multiple mammalian species, which suggests that this missense change does not adversely affect protein function. Algorithms developed to predict the effect of sequence changes on RNA splicing suggest that this variant may create or strengthen a splice site. In summary, the available evidence is currently insufficient to determine the role of this variant in disease. Therefore, it has been classified as a Variant of Uncertain Significance.

NM_133259.4(LRPPRC):c.1660A>G (p.Ile554Val)

Gene: LRPPRC (leucine rich pentatricopeptide repeat containing; minus strand). Cytogenetic location: 2p21.
Variant type: single nucleotide variant.
Coding change: c.1660A>G on transcript NM_133259.4 (MANE Select); coding-DNA position 1660, A replaced by G.
Protein change: p.Ile554Val; replaces isoleucine 554 with valine.
Molecular consequence: missense variant.
Genome position (GRCh38, 1-based): chr2:43,950,590, T>C on the plus strand (A>G on the coding strand, the complement: LRPPRC is on the minus strand). VCF-style: chr2-43950590-T-C. GRCh37 (hg19) VCF-style: chr2-44177729-T-C.
Other names: short protein forms I554V.
Identifiers: ClinVar variation 2202233 (VCV002202233.1), dbSNP rs190262280, ClinGen allele CA1638843.